The following is an entry in ClinVar:

ClinVar aggregate classification (germline): Pathogenic (1 of 4 stars; one submission).

Submission:

GeneDx
Classification: Pathogenic. Last evaluated: 2015-08-17. Review status: criteria provided, single submitter. Criteria: GeneDx Variant Classification (06012015). Collection method: clinical testing. Allele origin: germline. Affected: yes.
Comment: he c.469+5G>T variant in the FRAS1 gene has not been reported previously as a pathogenic variant nor as a benign polymorphism, to our knowledge. This substitution destroys the splice donor site in intron 5, and is expected to cause abnormal gene splicing. The c.469+5G>T variant was not observed in approximately 6100 individuals of European and African American ancestry in the NHLBI Exome Sequencing Project, indicating it is not a common benign variant in these populations. We interpret c.469+5G>T as a pathogenic variant.

NM_025074.7(FRAS1):c.469+5G>T

Gene: FRAS1 (Fraser extracellular matrix complex subunit 1; plus strand). Cytogenetic location: 4q21.21.
Variant type: single nucleotide variant.
Coding change: c.469+5G>T on transcript NM_025074.7 (MANE Select); 5 bases into the intron after coding-DNA position 469, G replaced by T.
Molecular consequence: intron variant.
Genome position (GRCh38, 1-based): chr4:78,252,556, G>T. VCF-style: chr4-78252556-G-T. GRCh37 (hg19) VCF-style: chr4-79173710-G-T.
Other names: c.469+5G>T (NM_001166133.2).
Identifiers: ClinVar variation 419757 (VCV000419757.2), dbSNP rs760212654, ClinGen allele CA16618055.
Genomic context (GRCh38, chr4:78,252,556, plus strand): 5'-GGAGCTGGCATTCATCCCTGAAGGAAGCTGCTGCCCAGTTTGTGTGGGCCTTGGGAGTGA[G>T]TATGAGCTTGTAGAAGGGGACCCTCTTTGCTTGGGAGGTTCACATGGCTATCGGGGGAAC-3'